The following is an entry in ClinVar:

ClinVar aggregate classification (germline): Likely benign (1 of 4 stars; one submission).

gnomAD v4.1: 37 of 1,613,732 alleles (0.0023%); highest among the groups gnomAD compares: East Asian, 0.042%; no homozygotes.

Submission:

CeGaT Center for Human Genetics Tuebingen
Classification: Likely benign. Last evaluated: 2026-07-01. Review status: criteria provided, single submitter. Criteria: CeGaT Center For Human Genetics Tuebingen Variant Classification Criteria Version 2. Collection method: clinical testing. Allele origin: germline. Affected: yes. Observed: 2 variant alleles.
Comment: TANC2: BP4, BP7

NM_001394998.1(TANC2):c.4773G>A (p.Pro1591=)

Gene: TANC2 (tetratricopeptide repeat, ankyrin repeat and coiled-coil containing 2; plus strand). Cytogenetic location: 17q23.3.
Variant type: single nucleotide variant.
Coding change: c.4773G>A on transcript NM_001394998.1 (MANE Select); coding-DNA position 4773, G replaced by A.
Protein change: p.Pro1591=; no amino-acid change (proline 1591 retained).
Molecular consequence: synonymous variant.
Genome position (GRCh38, 1-based): chr17:63,420,503, G>A. VCF-style: chr17-63420503-G-A. GRCh37 (hg19) VCF-style: chr17-61497864-G-A.
Other names: c.4551G>A, p.Pro1517= (NM_001411076.1); c.4521G>A, p.Pro1507= (NM_025185.4).
Identifiers: ClinVar variation 3770785 (VCV003770785.13).
Genomic context (GRCh38, chr17:63,420,503, plus strand): 5'-TGCCCTTTCTCCAACTCATCAGAACTCACATTACAGGCCTAGCCCACCACACACTTCCCC[G>A]GCTCATCAGGGAGGATCTTACCGTTTCAGCCCCCCTCCTGTGGGAGGACAGGGCAAAGAA-3'
Protein context (NP_001381927.1, residues 1581-1601): HYRPSPPHTS[Pro1591=]AHQGGSYRFS